The following is an entry in ClinVar:

ClinVar aggregate classification (germline): Uncertain significance (1 of 4 stars; one submission).

Conditions:
Kabuki syndrome. Also called: NIIKAWA-KUROKI SYNDROME; Kabuki make-up syndrome. Identifiers: Orphanet 2322, MedGen C0796004, MONDO:0016512.

Submission:

Labcorp Genetics (formerly Invitae), Labcorp
Classification: Uncertain significance for Kabuki syndrome. Last evaluated: 2022-04-15. Review status: criteria provided, single submitter. Criteria: Invitae Variant Classification Sherloc (09022015). Collection method: clinical testing. Allele origin: germline.
Comment: In summary, the available evidence is currently insufficient to determine the role of this variant in disease. Therefore, it has been classified as a Variant of Uncertain Significance. Advanced modeling of protein sequence and biophysical properties (such as structural, functional, and spatial information, amino acid conservation, physicochemical variation, residue mobility, and thermodynamic stability) performed at Invitae indicates that this missense variant is not expected to disrupt KMT2D protein function. This variant has not been reported in the literature in individuals affected with KMT2D-related conditions. This variant is not present in population databases (gnomAD no frequency). This sequence change replaces phenylalanine, which is neutral and non-polar, with leucine, which is neutral and non-polar, at codon 600 of the KMT2D protein (p.Phe600Leu).

NM_003482.4(KMT2D):c.1800C>G (p.Phe600Leu)

Gene: KMT2D (lysine methyltransferase 2D; minus strand). Cytogenetic location: 12q13.12.
Variant type: single nucleotide variant.
Coding change: c.1800C>G on transcript NM_003482.4 (MANE Select); coding-DNA position 1800, C replaced by G.
Protein change: p.Phe600Leu; replaces phenylalanine 600 with leucine.
Molecular consequence: missense variant.
Genome position (GRCh38, 1-based): chr12:49,051,883, G>C on the plus strand (C>G on the coding strand, the complement: KMT2D is on the minus strand). VCF-style: chr12-49051883-G-C. GRCh37 (hg19) VCF-style: chr12-49445666-G-C.
Other names: short protein forms F600L.
Identifiers: ClinVar variation 2104239 (VCV002104239.4), dbSNP rs1565819298, ClinGen allele CA384670249.
Genomic context (GRCh38, chr12:49,051,883, plus strand): 5'-TGGTGGGGAAAGGGGAGACTCCTCAGGTGGAGGGGACAGAGGAGACTCTTCAAATGGTGG[G>C]AACAGACGAGATGCCTCCGGTGGTGGAGACATGGGTGACTCTTCAGGTGGAGGGGACATG-3'
Protein context (NP_003473.3, residues 590-610): MSPPPEASRL[Phe600Leu]PPFEESPLSP